The following is an entry in ClinVar:

ClinVar aggregate classification (germline): Uncertain significance (1 of 4 stars; one submission).

Submission:

Dasa
Classification: Uncertain significance. Last evaluated: 2025-03-11. Review status: criteria provided, single submitter. Criteria: DASA Assertion Criteria. Collection method: clinical testing. Allele origin: germline.
Comment: NM_001172509.2(SATB2):c.1017C>G (p.Phe339Leu) is a missense variant that results in the substitution of phenylalanine with leucine. This variant is absent from population databases. Computational prediction algorithms are consistent with a benign effect. The currently available literature and clinical evidence are not sufficient to establish a definitive association between this variant and the reported condition. Therefore, this variant is classified as a variant of uncertain significance.

NM_001172509.2(SATB2):c.1017C>G (p.Phe339Leu)

Gene: SATB2 (SATB homeobox 2; minus strand). Cytogenetic location: 2q33.1.
Variant type: single nucleotide variant.
Coding change: c.1017C>G on transcript NM_001172509.2 (MANE Select); coding-DNA position 1017, C replaced by G.
Protein change: p.Phe339Leu; replaces phenylalanine 339 with leucine.
Molecular consequence: missense variant.
Genome position (GRCh38, 1-based): chr2:199,348,857, G>C on the plus strand (C>G on the coding strand, the complement: SATB2 is on the minus strand). VCF-style: chr2-199348857-G-C. GRCh37 (hg19) VCF-style: chr2-200213580-G-C.
Other names: c.1017C>G, p.Phe339Leu (NM_001172517.1, NM_015265.4); short protein forms F339L.
Identifiers: ClinVar variation 4885382 (VCV004885382.2).